The following is an entry in ClinVar:

Conditions:
Breast-ovarian cancer, familial, susceptibility to, 1 (BROVCA1). Also called: BRCA1 Hereditary Breast and Ovarian Cancer; OVARIAN CANCER, SUSCEPTIBILITY TO. Identifiers: Orphanet 145, MedGen C2676676, MONDO:0011450, OMIM 604370. Disease mechanism: loss of function.

Submission:

Brotman Baty Institute, University of Washington
No classification provided (evidence only). Condition: Breast-ovarian cancer, familial 1. Review status: no classification provided. Collection method: in vitro. Allele origin: not applicable. Functional consequence: functionally_normal.
ClinVar note: "not provided" was previously submitted as the classification for the variant. However, the classification appeared to be based only on an observation of functional data so it was converted to no classification on 2025-07-30.

NM_007294.4(BRCA1):c.142A>C (p.Met48Leu)

Gene: BRCA1 (BRCA1 DNA repair associated; minus strand). Cytogenetic location: 17q21.31.
Variant type: single nucleotide variant.
Coding change: c.142A>C on transcript NM_007294.4 (MANE Select); coding-DNA position 142, A replaced by C.
Protein change: p.Met48Leu; replaces methionine 48 with leucine.
Molecular consequence: missense variant. On other transcripts: initiator codon variant (1), non-coding transcript variant (1).
Genome position (GRCh38, 1-based): chr17:43,106,526, T>G on the plus strand (A>C on the coding strand, the complement: BRCA1 is on the minus strand). VCF-style: chr17-43106526-T-G. GRCh37 (hg19) VCF-style: chr17-41258543-T-G.
Other names: c.1A>C, p.Met1Leu (NM_001408504.1, NM_001408505.1, NM_001408511.1 and 99 more transcripts); c.-47A>C (NM_001408506.1, NM_001408507.1, NM_001408508.1 and 58 more transcripts); c.142A>C, p.Met48Leu (NM_007298.4, NM_007299.4, NM_007300.4 and 168 more transcripts); short protein forms M48L, M1L.
Identifiers: ClinVar variation 865193 (VCV000865193.4), dbSNP rs879255477, ClinGen allele CA10601872.
Genomic context (GRCh38, chr17:43,106,526, plus strand): 5'-TATCATTCTTACATAAAGGACACTGTGAAGGCCCTTTCTTCTGGTTGAGAAGTTTCAGCA[T>G]GCAAAATCTATAAATTATAAAGAAAGAAAGAACAATTTAATTTACTTCCTTTTGTAGAAA-3'
Protein context (NP_009225.1, residues 38-58): KCDHIFCKFC[Met48Leu]LKLLNQKKGP